The following is an entry in ClinVar:

NM_001032386.2(SUOX):c.1556C>G (p.Pro519Arg)

Gene: SUOX (sulfite oxidase; plus strand). Cytogenetic location: 12q13.2.
Variant type: single nucleotide variant.
Coding change: c.1556C>G on transcript NM_001032386.2 (MANE Select); coding-DNA position 1556, C replaced by G.
Protein change: p.Pro519Arg; replaces proline 519 with arginine.
Molecular consequence: missense variant.
Genome position (GRCh38, 1-based): chr12:56,004,945, C>G. VCF-style: chr12-56004945-C-G. GRCh37 (hg19) VCF-style: chr12-56398729-C-G.
Other names: c.1556C>G, p.Pro519Arg (NM_000456.3, NM_001032387.2); short protein forms P519R.
Identifiers: ClinVar variation 1675502 (VCV001675502.33), dbSNP rs2136513466, ClinGen allele CA385298281.
Genomic context (GRCh38, chr12:56,004,945, plus strand): 5'-CTGGACAAAAGGAACTGAACATTGTTTGTAAGGCTGTGGATGATGGTTACAATGTGCAGC[C>G]AGACACCGTGGCCCCAATCTGGAACCTGCGAGGTGTTCTCAGCAATGCCTGGCATCGTGT-3'
Protein context (NP_001027558.1, residues 509-529): KAVDDGYNVQ[Pro519Arg]DTVAPIWNLR

ClinVar aggregate classification (germline): Likely pathogenic (1 of 4 stars; one submission).

Submission:

CeGaT Center for Human Genetics Tuebingen
Classification: Likely pathogenic. Last evaluated: 2023-04-01. Review status: criteria provided, single submitter. Criteria: CeGaT Center For Human Genetics Tuebingen Variant Classification Criteria Version 2. Collection method: clinical testing. Allele origin: germline. Affected: yes. Observed: 4 variant alleles.
Comment: SUOX: PM2, PP4:Moderate, PM3:Supporting, PP3